The following is an entry in ClinVar:

NM_002294.3(LAMP2):c.586A>T (p.Thr196Ser)

Gene: LAMP2 (lysosome associated membrane protein 2; minus strand). Cytogenetic location: Xq24.
Variant type: single nucleotide variant.
Coding change: c.586A>T on transcript NM_002294.3 (MANE Select); coding-DNA position 586, A replaced by T.
Protein change: p.Thr196Ser; replaces threonine 196 with serine.
Molecular consequence: missense variant.
Genome position (GRCh38, 1-based): chrX:120,447,996, T>A on the plus strand (A>T on the coding strand, the complement: LAMP2 is on the minus strand). VCF-style: chrX-120447996-T-A. GRCh37 (hg19) VCF-style: chrX-119581851-T-A.
Other names: p.T196S:ACA>TCA; c.586A>T, p.Thr196Ser (NM_001122606.1, NM_013995.2); short protein forms T196S.
Identifiers: ClinVar variation 44432 (VCV000044432.66), dbSNP rs138991195, ClinGen allele CA134147.

ClinVar aggregate classification (germline): Conflicting classifications of pathogenicity. Review status: criteria provided, conflicting classifications (1 of 4 stars). 17 submissions from 17 submitters: Uncertain significance (2); Benign (1); Likely benign (9). 5 of the submissions do not count toward it. Last evaluated 2026-01-27.

Conditions:
Cardiovascular phenotype. Identifiers: MedGen CN230736.
Cardiomyopathy (CMYO). Also called: Cardiomyopathies. Identifiers: Orphanet 167848, MedGen C0878544, MONDO:0004994, HP:0001638. Inheritance: Various modes of inheritance.
Danon disease. Also called: Glycogen Storage Disease Type IIb; PSEUDOGLYCOGENOSIS II; GSD IIb; LYSOSOMAL GLYCOGEN STORAGE DISEASE WITHOUT ACID MALTASE DEFICIENCY; ANTOPOL DISEASE. Identifiers: Orphanet 34587, MedGen C0878677, MONDO:0010281, OMIM 300257.
Intellectual disability. Also called: Intellectual functioning disability; Intellectual developmental disorder; intellectual disabilities. Identifiers: MedGen C3714756, MeSH D008607, MONDO:0001071, HP:0001249.
Hypertrophic cardiomyopathy. Also called: HYPERTROPHIC MYOCARDIOPATHY. Identifiers: Orphanet 217569, MedGen C0007194, MeSH D002312, MONDO:0005045, HP:0001639.

Allele frequency attached by ClinVar (database versions not stated): 1000 Genomes Project 30x 0.00021; 1000 Genomes Project 0.00026; gnomAD 0.00039 and 0.00042; ESP Exome Variant Server 0.00047; TOPMed 0.00049.
gnomAD v4.1: 482 of 1,208,560 alleles (0.04%); highest among the groups gnomAD compares: Non-Finnish European, 0.049%; no homozygotes.

Submissions (17):

Labcorp Genetics (formerly Invitae), Labcorp
Classification: Benign for Danon disease. Last evaluated: 2026-01-27. Review status: criteria provided, single submitter. Criteria: Invitae Variant Classification Sherloc (09022015). Collection method: clinical testing. Allele origin: germline.

Mayo Clinic Laboratories, Mayo Clinic
Classification: Likely benign. Last evaluated: 2025-05-20. Review status: criteria provided, single submitter. Criteria: ACMG Guidelines, 2015. Collection method: clinical testing. Allele origin: germline. Observed: 4 variant alleles.
Comment: BS2, BP4

Blueprint Genetics
Classification: Likely benign. Last evaluated: 2024-10-23. Review status: criteria provided, single submitter. Criteria: ACMG Guidelines, 2015. Collection method: clinical testing. Allele origin: germline.

CeGaT Center for Human Genetics Tuebingen
Classification: Likely benign. Last evaluated: 2023-11-01. Review status: criteria provided, single submitter. Criteria: CeGaT Center For Human Genetics Tuebingen Variant Classification Criteria Version 2. Collection method: clinical testing. Allele origin: germline. Affected: yes. Observed: 3 variant alleles.
Comment: LAMP2: BP4, BS2

CHEO Genetics Diagnostic Laboratory, Children's Hospital of Eastern Ontario
Classification: Likely benign for Cardiomyopathy. Last evaluated: 2023-06-07. Review status: criteria provided, single submitter. Criteria: ACMG Guidelines, 2015. Collection method: clinical testing. Allele origin: germline.

Cambridge Genomics Laboratory, East Genomic Laboratory Hub, NHS Genomic Medicine Service
Classification: Uncertain significance for Intellectual disability. Last evaluated: 2020-05-29. Review status: criteria provided, single submitter. Criteria: ACGS Best Practice Guidelines for Variant Classification in Rare Disease 2020. Collection method: clinical testing. Allele origin: germline. Affected: yes. Observed: 1 variant allele.

GeneDx
Classification: Likely benign. Last evaluated: 2018-02-28. Review status: criteria provided, single submitter. Criteria: GeneDx Variant Classification (06012015). Collection method: clinical testing. Allele origin: germline. Affected: yes.
Comment: This variant is considered likely benign or benign based on one or more of the following criteria: it is a conservative change, it occurs at a poorly conserved position in the protein, it is predicted to be benign by multiple in silico algorithms, and/or has population frequency not consistent with disease.

Ambry Genetics
Classification: Likely benign for Cardiovascular phenotype. Last evaluated: 2017-10-13. Review status: criteria provided, single submitter. Criteria: Ambry Variant Classification Scheme 2023. Collection method: clinical testing. Allele origin: germline.

Agnes Ginges Centre for Molecular Cardiology, Centenary Institute
Classification: Likely benign for Hypertrophic cardiomyopathy. Last evaluated: 2017-03-21. Review status: criteria provided, single submitter. Criteria: ACMG Guidelines, 2015. Collection method: research. Allele origin: germline. Affected: yes.
Comment: The LAMP2 Thr196Ser variant has been previously reported in DCM (Pugh TJ, et al., 2014), a compound heterozygous case of mild Danon Disease (Cetin H, et al., 2016), 2 patients with accessory atrioventicular connections and in 2 male controls (Esposito G, et al., 2009). The LAMP2 Thr196Ser variant is found in the Exome Aggregation Consortium dataset at an allele frequency >0.0002, which higher then expected for an inherited heart disease. MYH6 Ser1414Phe. Computational tools are conflicting: SIFT and PolyPhen-2 predict LAMP2 Thr196Ser to be "deleterious" and "probably damaging", however MutationTaster predicts this variant to be a "polymorphism". In summary, the variant has been identified in controls and is seen at a high frequency in population databases, therefore we classify the LAMP2 Thr196Ser as "likely benign". Although it is unlikely that this variant causes disease on it's own, it's role as modifier can not be excluded.

Molecular Diagnostic Laboratory for Inherited Cardiovascular Disease, Montreal Heart Institute
Classification: Likely benign. Last evaluated: 2016-09-14. Review status: criteria provided, single submitter. Criteria: ACMG Guidelines, 2015. Collection method: clinical testing. Allele origin: germline. Affected: yes.

Eurofins Ntd Llc (ga)
Classification: Uncertain significance. Last evaluated: 2016-08-25. Review status: criteria provided, single submitter. Criteria: EGL Classification Definitions 2015. Collection method: clinical testing. Allele origin: germline. Observed: 1 variant allele, 1 hemizygote.

Laboratory for Molecular Medicine, Mass General Brigham Personalized Medicine
Classification: Likely benign. Last evaluated: 2014-12-17. Review status: criteria provided, single submitter. Criteria: LMM Criteria. Collection method: clinical testing. Allele origin: germline. Observed: 7 variant alleles.
Comment: p.Thr196Ser in exon 5 of LAMP2: This variant has been reported in 2 males with a ccessory atrioventricular connections (Esposito 2009). Although it changes an a mino acid it is not expected to cause disease on its own for the following reaso ns: LAMP2 related disease is caused by a loss of function. Pathogenic missense variants are exceedingly rare (and those that have been reported lead to a loss of function by disrupting splicing). In addition, the Thr196Ser variant is prese nt at low frequency in large population data sets (30/67686 European chromosomes by the Exome Aggregation Consortium (ExAC) and has been reported in at least 2 apparently healthy males (Esposito 2009). In summary, it is possible that this variant contributes to disease but it is likely benign on its own.

Clinical Genetics DNA and cytogenetics Diagnostics Lab, Erasmus MC, Erasmus Medical Center
Classification: Likely benign. Review status: no assertion criteria provided. Collection method: clinical testing. Allele origin: germline. Affected: yes. Study: VKGL Data-share Consensus. Not counted in ClinVar's aggregate classification.

Clinical Genetics, Academic Medical Center
Classification: Likely benign. Review status: no assertion criteria provided. Collection method: clinical testing. Allele origin: germline. Affected: yes. Study: VKGL Data-share Consensus. Not counted in ClinVar's aggregate classification.

Diagnostic Laboratory, Department of Genetics, University Medical Center Groningen
Classification: Likely benign. Review status: no assertion criteria provided. Collection method: clinical testing. Allele origin: germline. Affected: yes. Study: VKGL Data-share Consensus. Not counted in ClinVar's aggregate classification.

Genome Diagnostics Laboratory, University Medical Center Utrecht
Classification: Likely benign. Review status: no assertion criteria provided. Collection method: clinical testing. Allele origin: germline. Affected: yes. Study: VKGL Data-share Consensus. Not counted in ClinVar's aggregate classification.

Joint Genome Diagnostic Labs from Nijmegen and Maastricht, Radboudumc and MUMC+
Classification: Likely benign. Review status: no assertion criteria provided. Collection method: clinical testing. Allele origin: germline. Affected: yes. Study: VKGL Data-share Consensus. Not counted in ClinVar's aggregate classification.

Literature cited by the submitters: PubMed 26748608 (cited by 3 submitters); PubMed 19533775 (cited by 3 submitters); PubMed 24503780 (cited by Agnes Ginges Centre for Molecular Cardiology, Centenary Institute and Laboratory for Molecular Medicine, Mass General Brigham Personalized Medicine).